The following is an entry in ClinVar:

ClinVar aggregate classification (germline): Uncertain significance (1 of 4 stars; one submission).

Submission:

Labcorp Genetics (formerly Invitae), Labcorp
Classification: Uncertain significance. Last evaluated: 2024-03-27. Review status: criteria provided, single submitter. Criteria: Invitae Variant Classification Sherloc (09022015). Collection method: clinical testing. Allele origin: germline.
Comment: This sequence change replaces isoleucine, which is neutral and non-polar, with methionine, which is neutral and non-polar, at codon 1710 of the CNOT1 protein (p.Ile1710Met). This variant is not present in population databases (gnomAD no frequency). This variant has not been reported in the literature in individuals affected with CNOT1-related conditions. An algorithm developed to predict the effect of missense changes on protein structure and function (PolyPhen-2) suggests that this variant is likely to be tolerated. In summary, the available evidence is currently insufficient to determine the role of this variant in disease. Therefore, it has been classified as a Variant of Uncertain Significance.

NM_016284.5(CNOT1):c.5145T>G (p.Ile1715Met)

Gene: CNOT1 (CCR4-NOT transcription complex subunit 1; minus strand). Cytogenetic location: 16q21.
Variant type: single nucleotide variant.
Coding change: c.5145T>G on transcript NM_016284.5 (MANE Select); coding-DNA position 5145, T replaced by G.
Protein change: p.Ile1715Met; replaces isoleucine 1715 with methionine.
Molecular consequence: missense variant. On other transcripts: non-coding transcript variant (1).
Genome position (GRCh38, 1-based): chr16:58,538,257, A>C on the plus strand (T>G on the coding strand, the complement: CNOT1 is on the minus strand). VCF-style: chr16-58538257-A-C. GRCh37 (hg19) VCF-style: chr16-58572161-A-C.
Other names: c.5130T>G, p.Ile1710Met (NM_001265612.2); short protein forms I1715M, I1710M.
Identifiers: ClinVar variation 3647852 (VCV003647852.2).
Genomic context (GRCh38, chr16:58,538,257, plus strand): 5'-ATGATTGCGAATTAGCAGCTCCACAGCCTCCACATTATATTTATATTCATCTCGACATTC[A>C]ATTAGGCACCTAGAAAAAGTTCAATATCTTTACTCATATAGGCTTAACCATACTGTAAAA-3'
Protein context (NP_057368.3, residues 1705-1725): WCNKQITRCL[Ile1715Met]ECRDEYKYNV